The following is an entry in ClinVar:

ClinVar aggregate classification (germline): Uncertain significance. Review status: criteria provided, multiple submitters, no conflicts (2 of 4 stars). 2 submissions from 2 submitters: Uncertain significance (2). Last evaluated 2025-02-28.

Conditions:
Chromosome 2q32-q33 deletion syndrome (GLASS). Also called: Glass syndrome; 2q33.1 deletion syndrome. Identifiers: Orphanet 251019, MedGen C2676739, MONDO:0012864, OMIM 612313.

Submissions (2):

Labcorp Genetics (formerly Invitae), Labcorp
Classification: Uncertain significance for Chromosome 2q32-q33 deletion syndrome. Last evaluated: 2025-02-28. Review status: criteria provided, single submitter. Criteria: Invitae Variant Classification Sherloc (09022015). Collection method: clinical testing. Allele origin: germline.
Comment: This sequence change replaces arginine, which is basic and polar, with cysteine, which is neutral and slightly polar, at codon 44 of the SATB2 protein (p.Arg44Cys). This variant is not present in population databases (gnomAD no frequency). This variant has not been reported in the literature in individuals affected with SATB2-related conditions. ClinVar contains an entry for this variant (Variation ID: 3370704). Invitae Evidence Modeling of protein sequence and biophysical properties (such as structural, functional, and spatial information, amino acid conservation, physicochemical variation, residue mobility, and thermodynamic stability) indicates that this missense variant is not expected to disrupt SATB2 protein function with a negative predictive value of 80%. In summary, the available evidence is currently insufficient to determine the role of this variant in disease. Therefore, it has been classified as a Variant of Uncertain Significance.

GeneDx
Classification: Uncertain significance. Last evaluated: 2024-03-11. Review status: criteria provided, single submitter. Criteria: GeneDx Variant Classification Process June 2021. Collection method: clinical testing. Allele origin: germline. Affected: yes.
Comment: Not observed at significant frequency in large population cohorts (gnomAD); In silico analysis supports that this missense variant has a deleterious effect on protein structure/function; Has not been previously published as pathogenic or benign to our knowledge

NM_001172509.2(SATB2):c.130C>T (p.Arg44Cys)

Gene: SATB2 (SATB homeobox 2; minus strand). Cytogenetic location: 2q33.1.
Variant type: single nucleotide variant.
Coding change: c.130C>T on transcript NM_001172509.2 (MANE Select); coding-DNA position 130, C replaced by T.
Protein change: p.Arg44Cys; replaces arginine 44 with cysteine.
Molecular consequence: missense variant. On other transcripts: non-coding transcript variant (1).
Genome position (GRCh38, 1-based): chr2:199,455,908, G>A on the plus strand (C>T on the coding strand, the complement: SATB2 is on the minus strand). VCF-style: chr2-199455908-G-A. GRCh37 (hg19) VCF-style: chr2-200320631-G-A.
Other names: c.130C>T, p.Arg44Cys (NM_001172517.1, NM_015265.4); short protein forms R44C.
Identifiers: ClinVar variation 3370704 (VCV003370704.2).